The following is an entry in ClinVar:

NM_001436401.1(NOBOX):c.76G>A (p.Gly26Arg)

Gene: NOBOX (NOBOX oogenesis homeobox; minus strand). Cytogenetic location: 7q35.
Variant type: single nucleotide variant.
Coding change: c.76G>A on transcript NM_001436401.1 (MANE Select); coding-DNA position 76, G replaced by A.
Protein change: p.Gly26Arg; replaces glycine 26 with arginine.
Molecular consequence: missense variant. On other transcripts: intron variant (1).
Genome position (GRCh38, 1-based): chr7:144,401,559, C>T on the plus strand (G>A on the coding strand, the complement: NOBOX is on the minus strand). VCF-style: chr7-144401559-C-T. GRCh37 (hg19) VCF-style: chr7-144098652-C-T.
Other names: NM_001080413.3:c.331G>A; c.38-1247G>A (NM_001436402.1); short protein forms G26R.
Identifiers: ClinVar variation 1709933 (VCV001709933.3), dbSNP rs571490209, ClinGen allele CA4544853.

ClinVar aggregate classification (germline): Uncertain significance. Review status: criteria provided, multiple submitters, no conflicts (2 of 4 stars). 2 submissions from 2 submitters: Uncertain significance (2). Last evaluated 2021-09-28.

Conditions:
Premature ovarian failure 5 (POF5). Identifiers: MedGen C1969060, MONDO:0012689, OMIM 611548.

Allele frequency attached by ClinVar (database versions not stated): 1000 Genomes Project 0.00080; TOPMed 0.00004; gnomAD 0.00005; ExAC 0.00011; 1000 Genomes Project 30x 0.00062.
gnomAD v4.1: 117 of 1,511,478 alleles (0.0077%); highest among the groups gnomAD compares: Middle Eastern, 0.036%; no homozygotes.

Submissions (2):

Department of Pathology and Laboratory Medicine, Sinai Health System
Classification: Uncertain significance for Premature ovarian failure 5. Last evaluated: 2021-09-28. Review status: criteria provided, single submitter. Criteria: ACMG Guidelines, 2015. Collection method: research. Allele origin: germline.

MGZ Medical Genetics Center
Classification: Uncertain significance for Premature ovarian failure 5. Last evaluated: 2021-08-03. Review status: criteria provided, single submitter. Criteria: ACMG Guidelines, 2015. Collection method: clinical testing. Allele origin: germline. Affected: yes. Observed: 1 variant allele.
Comment: ACMG criteria applied: PS3_MOD, PS4_SUP, PM2_SUP